The following is an entry in ClinVar:

NM_198253.3(TERT):c.1604G>C (p.Arg535Pro)

Gene: TERT (telomerase reverse transcriptase; minus strand). Cytogenetic location: 5p15.33.
Variant type: single nucleotide variant.
Coding change: c.1604G>C on transcript NM_198253.3 (MANE Select); coding-DNA position 1604, G replaced by C.
Protein change: p.Arg535Pro; replaces arginine 535 with proline.
Molecular consequence: missense variant. On other transcripts: non-coding transcript variant (2).
Genome position (GRCh38, 1-based): chr5:1,282,594, C>G on the plus strand (G>C on the coding strand, the complement: TERT is on the minus strand). VCF-style: chr5-1282594-C-G. GRCh37 (hg19) VCF-style: chr5-1282709-C-G.
Other names: c.1604G>C, p.Arg535Pro (NM_001193376.3, NM_003219.1); short protein forms R535P.
Identifiers: ClinVar variation 2135662 (VCV002135662.4), dbSNP rs768398955, ClinGen allele CA359083511.

ClinVar aggregate classification (germline): Uncertain significance (1 of 4 stars; one submission).

Conditions:
Dyskeratosis congenita, autosomal dominant 2. Identifiers: MedGen C3151443, MONDO:0013521, OMIM 613989.
Idiopathic Pulmonary Fibrosis. Also called: Idiopathic fibrosing alveolitis, chronic form; idiopathic fibrosing alveolitis. Identifiers: Orphanet 2032, MedGen C1800706, MeSH D054990, MONDO:0800504.

Submission:

Labcorp Genetics (formerly Invitae), Labcorp
Classification: Uncertain significance for Dyskeratosis congenita, autosomal dominant 2; Idiopathic Pulmonary Fibrosis. Last evaluated: 2023-12-06. Review status: criteria provided, single submitter. Criteria: Invitae Variant Classification Sherloc (09022015). Collection method: clinical testing. Allele origin: germline.
Comment: This sequence change replaces arginine, which is basic and polar, with proline, which is neutral and non-polar, at codon 535 of the TERT protein (p.Arg535Pro). This variant is not present in population databases (gnomAD no frequency). This variant has not been reported in the literature in individuals affected with TERT-related conditions. ClinVar contains an entry for this variant (Variation ID: 2135662). Advanced modeling of protein sequence and biophysical properties (such as structural, functional, and spatial information, amino acid conservation, physicochemical variation, residue mobility, and thermodynamic stability) performed at Invitae indicates that this missense variant is expected to disrupt TERT protein function with a positive predictive value of 95%. In summary, the available evidence is currently insufficient to determine the role of this variant in disease. Therefore, it has been classified as a Variant of Uncertain Significance.